The following is an entry in ClinVar:

NM_001372.4(DNAH9):c.4054G>A (p.Ala1352Thr)

Gene: DNAH9 (dynein axonemal heavy chain 9; plus strand). Cytogenetic location: 17p12.
Variant type: single nucleotide variant.
Coding change: c.4054G>A on transcript NM_001372.4 (MANE Select); coding-DNA position 4054, G replaced by A.
Protein change: p.Ala1352Thr; replaces alanine 1352 with threonine.
Molecular consequence: missense variant.
Genome position (GRCh38, 1-based): chr17:11,689,876, G>A. VCF-style: chr17-11689876-G-A. GRCh37 (hg19) VCF-style: chr17-11593193-G-A.
Other names: short protein forms A1352T.
Identifiers: ClinVar variation 1927603 (VCV001927603.5), dbSNP rs1342776025, ClinGen allele CA398186319.

ClinVar aggregate classification (germline): Uncertain significance (1 of 4 stars; one submission).

Allele frequency attached by ClinVar (database versions not stated): gnomAD exomes below 0.00001; TOPMed below 0.00001.
gnomAD v4.1: 4 of 1,608,682 alleles (0.00025%); highest among the groups gnomAD compares: Non-Finnish European, 0.00034%; no homozygotes.

Submission:

Labcorp Genetics (formerly Invitae), Labcorp
Classification: Uncertain significance. Last evaluated: 2022-03-12. Review status: criteria provided, single submitter. Criteria: Invitae Variant Classification Sherloc (09022015). Collection method: clinical testing. Allele origin: germline.
Comment: In summary, the available evidence is currently insufficient to determine the role of this variant in disease. Therefore, it has been classified as a Variant of Uncertain Significance. Algorithms developed to predict the effect of missense changes on protein structure and function output the following: SIFT: "Tolerated"; PolyPhen-2: "Benign"; Align-GVGD: "Class C0". The threonine amino acid residue is found in multiple mammalian species, which suggests that this missense change does not adversely affect protein function. This variant has not been reported in the literature in individuals affected with DNAH9-related conditions. This variant is present in population databases (no rsID available, gnomAD 0.001%). This sequence change replaces alanine, which is neutral and non-polar, with threonine, which is neutral and polar, at codon 1352 of the DNAH9 protein (p.Ala1352Thr).